The following is an entry in ClinVar:

NM_173630.4(RTTN):c.4303-25_4303-11del

Gene: RTTN (rotatin; minus strand). Cytogenetic location: 18q22.2.
Variant type: Deletion.
Coding change: c.4303-25_4303-11del on transcript NM_173630.4 (MANE Select); 25 bases into the intron before coding-DNA position 4303 through 11 bases into the intron before coding-DNA position 4303, 15 bases deleted (TTTTTTTTTTTTTTT).
Molecular consequence: intron variant.
Genome position (GRCh38, 1-based): chr18:70,086,695-70,086,709, AAAAAAAAAAAAAAA deleted on the plus strand (TTTTTTTTTTTTTTT on the coding strand, the reverse complement: RTTN is on the minus strand); deleting any 15 consecutive bases within chr18:70,086,695-70,086,733 gives the same sequence; the c. name uses the placement nearest the transcript's 3' end. VCF-style (leftmost placement, unchanged base first): chr18-70086694-TAAAAAAAAAAAAAAA-T. GRCh37 (hg19) VCF-style: chr18-67753930-TAAAAAAAAAAAAAAA-T.
Other names: c.1567-25_1567-11del (NM_001318520.2).
Identifiers: ClinVar variation 403407 (VCV000403407.8), dbSNP rs531741265, ClinGen allele CA8995302.
Genomic context (GRCh38, chr18:70,086,694, plus strand): 5'-AATTTCTGTAGGCATTGGAATTACAAGGAGATTCTGAAGAATAAATGCCGCCTGAAAATG[TAAAAAAAAAAAAAAA>T]AAAAAAAAAAAAAAAAAAAAAAAAGGTCAATACTGCCATCTTGTGGTCATCTCTGAAATA-3'

ClinVar aggregate classification (germline): Benign/Likely benign. Review status: criteria provided, multiple submitters, no conflicts (2 of 4 stars). 3 submissions from 3 submitters: Benign (2); Likely benign (1). Last evaluated 2024-11-28.

Submissions (3):

Blueprint Genetics
Classification: Likely benign. Last evaluated: 2024-11-28. Review status: criteria provided, single submitter. Criteria: ACMG Guidelines, 2015. Collection method: clinical testing. Allele origin: germline.

GeneDx
Classification: Benign. Last evaluated: 2019-08-05. Review status: criteria provided, single submitter. Criteria: GeneDx Variant Classification Process June 2021. Collection method: clinical testing. Allele origin: germline. Affected: yes.

Laboratory for Molecular Medicine, Mass General Brigham Personalized Medicine
Classification: Benign. Last evaluated: 2016-03-29. Review status: criteria provided, single submitter. Criteria: LMM Criteria. Collection method: clinical testing. Allele origin: germline.
Comment: Variant identified in a genome or exome case(s) and assessed due to predicted null impact of the variant or pathogenic assertions in the literature or databases. Disclaimer: This variant has not undergone full assessment. The following are preliminary notes: Frequency